The following is an entry in ClinVar:

NM_019066.5(MAGEL2):c.3268A>T (p.Ile1090Phe)

Gene: MAGEL2 (MAGE family member L2; minus strand). Cytogenetic location: 15q11.2.
Variant type: single nucleotide variant.
Coding change: c.3268A>T on transcript NM_019066.5 (MANE Select); coding-DNA position 3268, A replaced by T.
Protein change: p.Ile1090Phe; replaces isoleucine 1090 with phenylalanine.
Molecular consequence: missense variant.
Genome position (GRCh38, 1-based): chr15:23,644,475, T>A on the plus strand (A>T on the coding strand, the complement: MAGEL2 is on the minus strand). VCF-style: chr15-23644475-T-A. GRCh37 (hg19) VCF-style: chr15-23889622-T-A.
Other names: short protein forms I1090F.
Identifiers: ClinVar variation 4759483 (VCV004759483.1).

ClinVar aggregate classification (germline): Uncertain significance (1 of 4 stars; one submission).

Conditions:
Schaaf-Yang syndrome (SHFYNG). Also called: Arthrogryposis, distal, with hypopituitarism, intellectual disability, and facial anomalies; MAGEL2-related Prader-Willi-like syndrome. Identifiers: Orphanet 398069, MedGen C5575066, MONDO:0014243, OMIM 615547.

Submission:

Illumina Laboratory Services, Illumina
Classification: Uncertain significance for Schaaf-Yang syndrome. Last evaluated: 2024-03-22. Review status: criteria provided, single submitter. Criteria: ISL SNV Classification Criteria 03 February 2026. Collection method: clinical testing. Allele origin: unknown.
Comment: The MAGEL2 c.3268A>T p.(Ile1090Phe) missense variant has not, to our knowledge, been reported in the peer-reviewed literature. This variant is not observed at a significant frequency in version 2.1.1 or version 4.0.0 of the Genome Aggregation Database. This variant is located in the MAGE domain of the protein. Based on the available evidence, the c.3268A>T p.(Ile1090Phe) variant is classified as a variant of uncertain significance for Schaaf-Yang syndrome.